The following is an entry in ClinVar:

NM_007294.4(BRCA1):c.2278del (p.Thr760fs)

Gene: BRCA1 (BRCA1 DNA repair associated; minus strand). Cytogenetic location: 17q21.31.
Variant type: Deletion.
Coding change: c.2278del on transcript NM_007294.4 (MANE Select); coding-DNA position 2278, one base deleted (A; older notation c.2278delA).
Protein change: p.Thr760fs; shifts the reading frame from threonine 760.
Molecular consequence: frameshift variant. On other transcripts: intron variant (137).
Genome position (GRCh38, 1-based): chr17:43,093,253, T deleted on the plus strand (A on the coding strand, the reverse complement: BRCA1 is on the minus strand); the first of 3 consecutive T bases (chr17:43,093,253-43,093,255); deleting any one gives the same sequence. VCF-style (leftmost placement, unchanged base first): chr17-43093252-GT-G. GRCh37 (hg19) VCF-style: chr17-41245269-GT-G.
Other names: c.2068del, p.Thr690fs (NM_001407900.1, NM_001407902.1, NM_001407904.1 and 13 more transcripts); c.2065del, p.Thr689fs (NM_001407915.1, NM_001407916.1, NM_001407917.1 and 9 more transcripts); c.2155del, p.Thr719fs (NM_001407919.1, NM_001407937.1, NM_001407938.1 and 19 more transcripts); c.2014del, p.Thr672fs (NM_001407920.1, NM_001407921.1, NM_001407933.1 and 9 more transcripts); c.2011del, p.Thr671fs (NM_001407932.1, NM_001407934.1, NM_001407936.1 and 2 more transcripts); c.2278del, p.Thr760fs (NM_001407581.1, NM_001407582.1, NM_001407583.1 and 30 more transcripts); c.2275del, p.Thr759fs (NM_001407587.1, NM_001407590.1, NM_001407591.1 and 22 more transcripts); c.2269del, p.Thr757fs (NM_001407646.1, NM_001407647.1); and 42 more; short protein forms T713fs, T760fs, T592fs, T632fs, T633fs, T672fs, T712fs, T757fs.
Identifiers: ClinVar variation 965907 (VCV000965907.9), dbSNP rs2053790230, ClinGen allele CA1139664779.

ClinVar aggregate classification (germline): Pathogenic (1 of 4 stars; one submission).

Conditions:
Hereditary breast ovarian cancer syndrome. Also called: Hereditary breast and ovarian cancer; Hereditary breast and/or ovarian cancer syndrome; Hereditary breast and ovarian cancer syndrome; Hereditary breast and ovarian cancer syndrome (HBOC); Breast and ovarian cancer; BRCA1- and BRCA2-Associated Hereditary Breast and Ovarian Cancer. Identifiers: Orphanet 145, MedGen C0677776, MeSH D061325, MONDO:0003582. Disease mechanism: loss of function.

Submission:

Labcorp Genetics (formerly Invitae), Labcorp
Classification: Pathogenic for Hereditary breast ovarian cancer syndrome. Last evaluated: 2019-11-11. Review status: criteria provided, single submitter. Criteria: Invitae Variant Classification Sherloc (09022015). Collection method: clinical testing. Allele origin: germline.
Comment: This variant is not present in population databases (ExAC no frequency). This sequence change creates a premature translational stop signal (p.Thr760Leufs*5) in the BRCA1 gene. It is expected to result in an absent or disrupted protein product. This variant has not been reported in the literature in individuals with BRCA1-related conditions. Loss-of-function variants in BRCA1 are known to be pathogenic (PMID: 20104584). For these reasons, this variant has been classified as Pathogenic.

Literature cited by the submitters: PubMed 20104584.